The following is an entry in ClinVar:

NM_005751.5(AKAP9):c.4000A>G (p.Thr1334Ala)

Gene: AKAP9 (A-kinase anchoring protein 9; plus strand). Cytogenetic location: 7q21.2.
Variant type: single nucleotide variant.
Coding change: c.4000A>G on transcript NM_005751.5 (MANE Select); coding-DNA position 4000, A replaced by G.
Protein change: p.Thr1334Ala; replaces threonine 1334 with alanine.
Molecular consequence: missense variant.
Genome position (GRCh38, 1-based): chr7:92,022,861, A>G. VCF-style: chr7-92022861-A-G. GRCh37 (hg19) VCF-style: chr7-91652175-A-G.
Other names: c.4000A>G, p.Thr1334Ala (NM_147185.3); short protein forms T1334A.
Identifiers: ClinVar variation 1736929 (VCV001736929.2), dbSNP rs759159224, ClinGen allele CA368127750.
Genomic context (GRCh38, chr7:92,022,861, plus strand): 5'-TTATATAACATAGATGTCAATCATAAAAGCAAGTTATCTTCTCTGCAAGATCTTGAAAAA[A>G]CTAAACTTGAAGAACAAGTTCAAGAATTAGAAAGCCTCATATCCTCTTTGCAGCAACAGT-3'
Protein context (NP_005742.4, residues 1324-1344): KLSSLQDLEK[Thr1334Ala]KLEEQVQELE

ClinVar aggregate classification (germline): Uncertain significance (1 of 4 stars; one submission).

Conditions:
Cardiovascular phenotype. Identifiers: MedGen CN230736.

Submission:

Ambry Genetics
Classification: Uncertain significance for Cardiovascular phenotype. Last evaluated: 2022-10-30. Review status: criteria provided, single submitter. Criteria: Ambry Variant Classification Scheme 2023. Collection method: clinical testing. Allele origin: germline.
Comment: The p.T1334A variant (also known as c.4000A>G), located in coding exon 14 of the AKAP9 gene, results from an A to G substitution at nucleotide position 4000. The threonine at codon 1334 is replaced by alanine, an amino acid with similar properties. This amino acid position is conserved. In addition, this alteration is predicted to be tolerated by in silico analysis. Since supporting evidence is limited at this time, the clinical significance of this alteration remains unclear.